The following is an entry in ClinVar:

ClinVar aggregate classification (germline): Uncertain significance. Review status: criteria provided, multiple submitters, no conflicts (2 of 4 stars). 2 submissions from 2 submitters: Uncertain significance (2). Last evaluated 2025-10-30.

Conditions:
Hereditary cancer-predisposing syndrome. Also called: Tumor predisposition; Neoplastic Syndromes, Hereditary; Hereditary Cancer Syndrome; Hereditary neoplastic syndrome. Identifiers: Orphanet 140162, MedGen C0027672, MeSH D009386, MONDO:0015356.

Submissions (2):

Ambry Genetics
Classification: Uncertain significance for Hereditary cancer-predisposing syndrome. Last evaluated: 2025-10-30. Review status: criteria provided, single submitter. Criteria: Ambry Variant Classification Scheme 2023. Collection method: clinical testing. Allele origin: germline.
Comment: The p.M29I variant (also known as c.87G>T), located in coding exon 2 of the BMPR1A gene, results from a G to T substitution at nucleotide position 87. The methionine at codon 29 is replaced by isoleucine, an amino acid with highly similar properties. This amino acid position is conserved. In addition, this alteration is predicted to be tolerated by in silico analysis. Based on the available evidence, the clinical significance of this variant remains unclear.

GeneDx
Classification: Uncertain significance. Last evaluated: 2019-12-19. Review status: criteria provided, single submitter. Criteria: GeneDx Variant Classification Process June 2021. Collection method: clinical testing. Allele origin: germline. Affected: yes.
Comment: Not observed in large population cohorts (Lek 2016); In silico analysis, which includes protein predictors and evolutionary conservation, supports that this variant does not alter protein structure/function; Has not been previously published as pathogenic or benign to our knowledge

NM_004329.3(BMPR1A):c.87G>T (p.Met29Ile)

Gene: BMPR1A (bone morphogenetic protein receptor type 1A; plus strand). Cytogenetic location: 10q23.2.
Variant type: single nucleotide variant.
Coding change: c.87G>T on transcript NM_004329.3 (MANE Select); coding-DNA position 87, G replaced by T.
Protein change: p.Met29Ile; replaces methionine 29 with isoleucine.
Molecular consequence: missense variant.
Genome position (GRCh38, 1-based): chr10:86,890,081, G>T. VCF-style: chr10-86890081-G-T. GRCh37 (hg19) VCF-style: chr10-88649838-G-T.
Other names: short protein forms M29I.
Identifiers: ClinVar variation 1311505 (VCV001311505.3), dbSNP rs2133394364, ClinGen allele CA377446297.